The following is an entry in ClinVar:

NM_032043.3(BRIP1):c.1165G>A (p.Val389Ile)

Gene: BRIP1 (BRCA1 interacting DNA helicase 1; minus strand). Cytogenetic location: 17q23.2.
Variant type: single nucleotide variant.
Coding change: c.1165G>A on transcript NM_032043.3 (MANE Select); coding-DNA position 1165, G replaced by A.
Protein change: p.Val389Ile; replaces valine 389 with isoleucine.
Molecular consequence: missense variant.
Genome position (GRCh38, 1-based): chr17:61,799,275, C>T on the plus strand (G>A on the coding strand, the complement: BRIP1 is on the minus strand). VCF-style: chr17-61799275-C-T. GRCh37 (hg19) VCF-style: chr17-59876636-C-T.
Other names: short protein forms V389I.
Identifiers: ClinVar variation 136140 (VCV000136140.23), dbSNP rs587780825, ClinGen allele CA332977.

ClinVar aggregate classification (germline): Conflicting classifications of pathogenicity. Review status: criteria provided, conflicting classifications (1 of 4 stars). 5 submissions from 5 submitters: Uncertain significance (4); Likely benign (1). Last evaluated 2025-08-11.

Conditions:
Hereditary cancer-predisposing syndrome. Also called: Tumor predisposition; Hereditary neoplastic syndrome; Neoplastic Syndromes, Hereditary; Hereditary Cancer Syndrome. Identifiers: Orphanet 140162, MedGen C0027672, MeSH D009386, MONDO:0015356.
Familial cancer of breast. Also called: BREAST CANCER, FAMILIAL; Hereditary breast cancer; hereditary breast carcinoma. Identifiers: Orphanet 227535, MedGen C0346153, MONDO:0016419, OMIM 114480. Disease mechanism: loss of function.
Fanconi anemia complementation group J. Also called: BRIP1-Related Fanconi Anemia. Identifiers: Orphanet 84, MedGen C1836860, MONDO:0012187, OMIM 609054.

Allele frequency attached by ClinVar (database versions not stated): gnomAD exomes below 0.00001.
gnomAD v4.1: 2 of 1,612,782 alleles (0.00012%); highest among the groups gnomAD compares: Non-Finnish European, 0.00017%; no homozygotes.

Submissions (5):

Labcorp Genetics (formerly Invitae), Labcorp
Classification: Uncertain significance for Familial cancer of breast; Fanconi anemia complementation group J. Last evaluated: 2025-08-11. Review status: criteria provided, single submitter. Criteria: Invitae Variant Classification Sherloc (09022015). Collection method: clinical testing. Allele origin: germline.
Comment: This sequence change replaces valine, which is neutral and non-polar, with isoleucine, which is neutral and non-polar, at codon 389 of the BRIP1 protein (p.Val389Ile). This variant is not present in population databases (gnomAD no frequency). This variant has not been reported in the literature in individuals affected with BRIP1-related conditions. ClinVar contains an entry for this variant (Variation ID: 136140). Invitae Evidence Modeling of protein sequence and biophysical properties (such as structural, functional, and spatial information, amino acid conservation, physicochemical variation, residue mobility, and thermodynamic stability) indicates that this missense variant is not expected to disrupt BRIP1 protein function with a negative predictive value of 95%. In summary, the available evidence is currently insufficient to determine the role of this variant in disease. Therefore, it has been classified as a Variant of Uncertain Significance.

Ambry Genetics
Classification: Likely benign for Hereditary cancer-predisposing syndrome. Last evaluated: 2025-07-07. Review status: criteria provided, single submitter. Criteria: Ambry Variant Classification Scheme 2023. Collection method: clinical testing. Allele origin: germline.

Baylor Genetics
Classification: Uncertain significance for Familial cancer of breast. Last evaluated: 2024-01-21. Review status: criteria provided, single submitter. Criteria: ACMG Guidelines, 2015. Collection method: clinical testing. Allele origin: unknown.

Color Diagnostics, LLC DBA Color Health
Classification: Uncertain significance for Hereditary cancer-predisposing syndrome. Last evaluated: 2023-12-05. Review status: criteria provided, single submitter. Criteria: ACMG Guidelines, 2015. Collection method: clinical testing. Allele origin: germline.
Comment: This missense variant replaces valine with isoleucine at codon 389 of the BRIP1 protein. Computational prediction suggests that this variant may not impact protein structure and function (internally defined REVEL score threshold <= 0.5, PMID: 27666373). To our knowledge, functional studies have not been reported for this variant. This variant has not been reported in individuals affected with BRIP1-related disorders in the literature. This variant has not been identified in the general population by the Genome Aggregation Database (gnomAD). The available evidence is insufficient to determine the role of this variant in disease conclusively. Therefore, this variant is classified as a Variant of Uncertain Significance.

GeneDx
Classification: Uncertain significance. Last evaluated: 2017-12-18. Review status: criteria provided, single submitter. Criteria: GeneDx Variant Classification (06012015). Collection method: clinical testing. Allele origin: germline. Affected: yes.
Comment: This variant is denoted BRIP1 c.1165G>A at the cDNA level, p.Val389Ile (V389I) at the protein level, and results in the change of a Valine to an Isoleucine (GTT>ATT). This variant has not, to our knowledge, been published in the literature as pathogenic or benign. BRIP1 Val389Ile was not observed in large population cohorts (Lek 2016). Since Valine and Isoleucine share similar properties, this is considered a conservative amino acid substitution. BRIP1 Val389Ile is located in the Helicase Domain II (Cantor 2011). In-silico analysis, which includes protein predictors and evolutionary conservation, supports that this variant does not alter protein structure/function. Based on currently available evidence, it is unclear whether BRIP1 Val389Ile is a pathogenic or benign variant. We consider it to be a variant of uncertain significance.